The following is an entry in ClinVar:

NM_001942.4(DSG1):c.917T>C (p.Val306Ala)

Gene: DSG1 (desmoglein 1; plus strand). Cytogenetic location: 18q12.1.
Variant type: single nucleotide variant.
Coding change: c.917T>C on transcript NM_001942.4 (MANE Select); coding-DNA position 917, T replaced by C.
Protein change: p.Val306Ala; replaces valine 306 with alanine.
Molecular consequence: missense variant.
Genome position (GRCh38, 1-based): chr18:31,334,114, T>C. VCF-style: chr18-31334114-T-C. GRCh37 (hg19) VCF-style: chr18-28914077-T-C.
Other names: short protein forms V306A.
Identifiers: ClinVar variation 1995787 (VCV001995787.4), dbSNP rs371165240, ClinGen allele CA8925972.
Genomic context (GRCh38, chr18:31,334,114, plus strand): 5'-ATTTGCTCGAGATTAGAGTAATTGATTTGGATGAAGAGTTCTCAGCTAACTGGATGGCAG[T>C]AATTTTCTTTATCTCTGGAAATGAAGGAAATTGGTTTGAGATAGAAATGAATGAAAGAAC-3'
Protein context (NP_001933.2, residues 296-316): DEEFSANWMA[Val306Ala]IFFISGNEGN

ClinVar aggregate classification (germline): Uncertain significance (1 of 4 stars; one submission).

Allele frequency attached by ClinVar (database versions not stated): ESP Exome Variant Server 0.00008.
gnomAD v4.1: 1 of 1,608,276 alleles (0.000062%); highest among the groups gnomAD compares: Non-Finnish European, 0.000085%; no homozygotes.

Submission:

Labcorp Genetics (formerly Invitae), Labcorp
Classification: Uncertain significance. Last evaluated: 2022-05-17. Review status: criteria provided, single submitter. Criteria: Invitae Variant Classification Sherloc (09022015). Collection method: clinical testing. Allele origin: germline.
Comment: This sequence change replaces valine, which is neutral and non-polar, with alanine, which is neutral and non-polar, at codon 306 of the DSG1 protein (p.Val306Ala). This variant is present in population databases (rs371165240, gnomAD 0.0009%). This variant has not been reported in the literature in individuals affected with DSG1-related conditions. Algorithms developed to predict the effect of missense changes on protein structure and function (SIFT, PolyPhen-2, Align-GVGD) all suggest that this variant is likely to be tolerated. In summary, the available evidence is currently insufficient to determine the role of this variant in disease. Therefore, it has been classified as a Variant of Uncertain Significance.